The following is an entry in ClinVar:

NM_014491.4(FOXP2):c.531A>T (p.Gln177His)

Gene: FOXP2 (forkhead box P2; plus strand). Cytogenetic location: 7q31.1.
Variant type: single nucleotide variant.
Coding change: c.531A>T on transcript NM_014491.4 (MANE Select); coding-DNA position 531, A replaced by T.
Protein change: p.Gln177His; replaces glutamine 177 with histidine.
Molecular consequence: missense variant. On other transcripts: non-coding transcript variant (2).
Genome position (GRCh38, 1-based): chr7:114,629,939, A>T. VCF-style: chr7-114629939-A-T. GRCh37 (hg19) VCF-style: chr7-114269994-A-T.
Other names: c.531A>T, p.Gln177His (NM_001172766.3, NM_148899.3); c.606A>T, p.Gln202His (NM_001172767.2, NM_148898.4); c.582A>T, p.Gln194His (NM_148900.4); short protein forms Q177H, Q194H, Q202H.
Identifiers: ClinVar variation 5018088 (VCV005018088.1).
Genomic context (GRCh38, chr7:114,629,939, plus strand): 5'-GCAGCAGCAGCAACAACAGCAGCAACAACAGCAGCAGCAACAACAACAACAACAGCAGCA[A>T]CAACAGCAGCAGCAGCAGCAACAGCAGCAGCAGCAGCAACAGCATCCTGGAAAGCAAGCG-3'
Protein context (NP_055306.1, residues 167-187): QQQQQQQQQQ[Gln177His]QQQQQQQQQQ

ClinVar aggregate classification (germline): Uncertain significance (1 of 4 stars; one submission).

Submission:

GeneDx
Classification: Uncertain significance. Last evaluated: 2026-04-05. Review status: criteria provided, single submitter. Criteria: GeneDx Variant Classification Process June 2021. Collection method: clinical testing. Allele origin: germline.
Comment: Not observed at significant frequency in large population cohorts (gnomAD); In silico analysis suggests that this missense variant does not alter protein structure/function; Has not been previously published as pathogenic or benign to our knowledge